The following is an entry in ClinVar:

NM_015874.6(RBPJ):c.888+94A>G

Gene: RBPJ (recombination signal binding protein for immunoglobulin kappa J region; plus strand). Cytogenetic location: 4p15.2.
Variant type: single nucleotide variant.
Coding change: c.888+94A>G on transcript NM_015874.6 (MANE Select); 94 bases into the intron after coding-DNA position 888, A replaced by G.
Molecular consequence: intron variant.
Genome position (GRCh38, 1-based): chr4:26,428,954, A>G. VCF-style: chr4-26428954-A-G. GRCh37 (hg19) VCF-style: chr4-26430576-A-G.
Other names: c.885+94A>G (NM_001374401.1, NM_001379407.1, NM_001379406.1 and 3 more transcripts); c.927+94A>G (NM_005349.4, NM_001379408.1, NM_001374400.1); c.822+94A>G (NM_203283.5, NM_001363577.2); c.882+94A>G (NM_001379409.1).
Identifiers: ClinVar variation 3342398 (VCV003342398.1).

ClinVar aggregate classification (germline): Likely benign (1 of 4 stars; one submission).

gnomAD v4.1: 3,030 of 893,794 alleles (0.34%); highest among the groups gnomAD compares: African/African-American, 4.5%; 79 homozygotes.

Submission:

GeneDx
Classification: Likely benign. Last evaluated: 2022-02-26. Review status: criteria provided, single submitter. Criteria: GeneDx Variant Classification Process June 2021. Collection method: clinical testing. Allele origin: germline. Affected: yes.
Comment: See Variant Classification Assertion Criteria.